The following is an entry in ClinVar:

ClinVar aggregate classification (germline): Likely pathogenic. Review status: criteria provided, multiple submitters, no conflicts (2 of 4 stars). 2 submissions from 2 submitters: Likely pathogenic (2). Last evaluated 2024-03-29.

Conditions:
King Denborough syndrome (KDS). Identifiers: MedGen C1840365, MONDO:0020485, OMIM 619542.
Central core myopathy (CMYO1A). Also called: CONGENITAL MYOPATHY 1A, AUTOSOMAL DOMINANT, WITH SUSCEPTIBILITY TO MALIGNANT HYPERTHERMIA; Central core disease; Myopathy, central fibrillar. Identifiers: Orphanet 597, MedGen C5830701, MONDO:0007294, OMIM 117000.
Malignant hyperthermia, susceptibility to, 1 (MHS1). Also called: RYR1-Related Malignant Hyperthermia Susceptibility; Malignant hyperthermia suceptibility 1; Anesthesia related hyperthermia; Malignant hyperpyrexia; Fulminating hyperpyrexia; Pharmacogenic myopathy. Identifiers: Orphanet 423, MedGen C2930980, MONDO:0007783, OMIM 145600.
Congenital multicore myopathy with external ophthalmoplegia (CMYO1B). Also called: MULTIMINICORE DISEASE WITH EXTERNAL OPHTHALMOPLEGIA; Congenital myopathy 1B, autosomal recessive; Minicore myopathy; MULTICORE MYOPATHY; Minicore myopathy with external ophthalmoplegia. Identifiers: Orphanet 598, Orphanet 98905, MedGen C1850674, MONDO:0009712, OMIM 255320, HP:0003789.
RYR1-related disorder. Also called: RYR1-related disorders; RYR1-related condition. Identifiers: MedGen CN239331.

Allele frequency attached by ClinVar (database versions not stated): gnomAD exomes below 0.00001.
gnomAD v4.1: 1 of 1,613,980 alleles (0.000062%); highest among the groups gnomAD compares: Non-Finnish European, 0.000085%; no homozygotes.

Submissions (2):

Fulgent Genetics
Classification: Likely pathogenic for Central core myopathy; Malignant hyperthermia, susceptibility to, 1; Congenital multicore myopathy with external ophthalmoplegia; King Denborough syndrome. Last evaluated: 2024-03-29. Review status: criteria provided, single submitter. Criteria: ACMG Guidelines, 2015. Collection method: clinical testing. Allele origin: germline.

Labcorp Genetics (formerly Invitae), Labcorp
Classification: Likely pathogenic for RYR1-related disorder. Last evaluated: 2022-11-11. Review status: criteria provided, single submitter. Criteria: Invitae Variant Classification Sherloc (09022015). Collection method: clinical testing. Allele origin: germline.
Comment: In summary, the currently available evidence indicates that the variant is pathogenic, but additional data are needed to prove that conclusively. Therefore, this variant has been classified as Likely Pathogenic. This variant disrupts the p.Arg4893 amino acid residue in RYR1. Other variant(s) that disrupt this residue have been determined to be pathogenic (PMID: 11709545, 14670767, 15299003, 24950660). This suggests that this residue is clinically significant, and that variants that disrupt this residue are likely to be disease-causing. Advanced modeling of protein sequence and biophysical properties (such as structural, functional, and spatial information, amino acid conservation, physicochemical variation, residue mobility, and thermodynamic stability) performed at Invitae indicates that this missense variant is expected to disrupt RYR1 protein function. This variant has not been reported in the literature in individuals affected with RYR1-related conditions. This variant is not present in population databases (gnomAD no frequency). This sequence change replaces arginine, which is basic and polar, with leucine, which is neutral and non-polar, at codon 4893 of the RYR1 protein (p.Arg4893Leu).

Literature cited by the submitters: PubMed 11709545 (cited by Labcorp Genetics (formerly Invitae), Labcorp); PubMed 14670767 (cited by Labcorp Genetics (formerly Invitae), Labcorp); PubMed 15299003 (cited by Labcorp Genetics (formerly Invitae), Labcorp); PubMed 24950660 (cited by Labcorp Genetics (formerly Invitae), Labcorp).

NM_000540.3(RYR1):c.14678G>T (p.Arg4893Leu)

Gene: RYR1 (ryanodine receptor 1; plus strand). Cytogenetic location: 19q13.2.
Variant type: single nucleotide variant.
Coding change: c.14678G>T on transcript NM_000540.3 (MANE Select); coding-DNA position 14678, G replaced by T.
Protein change: p.Arg4893Leu; replaces arginine 4893 with leucine.
Molecular consequence: missense variant.
Genome position (GRCh38, 1-based): chr19:38,584,974, G>T. VCF-style: chr19-38584974-G-T. GRCh37 (hg19) VCF-style: chr19-39075614-G-T.
Other names: c.14663G>T, p.Arg4888Leu (NM_001042723.2); short protein forms R4888L, R4893L.
Identifiers: ClinVar variation 2738605 (VCV002738605.4), dbSNP rs118192151, ClinGen allele CA405690254.
Genomic context (GRCh38, chr19:38,584,974, plus strand): 5'-TGAGTGACCAGTGTGCTCCCCTCCCTCAGTGTTACCTGTTTCACATGTACGTGGGTGTCC[G>T]GGCTGGCGGAGGCATTGGGGACGAGATCGAGGACCCCGCGGGTGACGAATACGAGCTCTA-3'
Protein context (NP_000531.2, residues 4883-4903): CYLFHMYVGV[Arg4893Leu]AGGGIGDEIE